The following is an entry in ClinVar:

ClinVar aggregate classification (germline): Uncertain significance (1 of 4 stars; one submission).

Allele frequency attached by ClinVar (database versions not stated): gnomAD exomes 0.00001 and 0.00002; ExAC 0.00002; gnomAD 0.00006; TOPMed 0.00007; 1000 Genomes Project 30x 0.00016; 1000 Genomes Project 0.00020.

Submission:

Labcorp Genetics (formerly Invitae), Labcorp
Classification: Uncertain significance. Last evaluated: 2025-06-03. Review status: criteria provided, single submitter. Criteria: Invitae Variant Classification Sherloc (09022015). Collection method: clinical testing. Allele origin: germline.
Comment: This sequence change replaces glycine, which is neutral and non-polar, with serine, which is neutral and polar, at codon 32 of the ROM1 protein (p.Gly32Ser). This variant is present in population databases (rs550851372, gnomAD 0.02%). This variant has not been reported in the literature in individuals affected with ROM1-related conditions. ClinVar contains an entry for this variant (Variation ID: 943274). Invitae Evidence Modeling of protein sequence and biophysical properties (such as structural, functional, and spatial information, amino acid conservation, physicochemical variation, residue mobility, and thermodynamic stability) indicates that this missense variant is not expected to disrupt ROM1 protein function with a negative predictive value of 80%. In summary, the available evidence is currently insufficient to determine the role of this variant in disease. Therefore, it has been classified as a Variant of Uncertain Significance.

NM_000327.4(ROM1):c.94G>A (p.Gly32Ser)

Gene: ROM1 (retinal outer segment membrane protein 1; plus strand). Cytogenetic location: 11q12.3.
Variant type: single nucleotide variant.
Coding change: c.94G>A on transcript NM_000327.4 (MANE Select); coding-DNA position 94, G replaced by A.
Protein change: p.Gly32Ser; replaces glycine 32 with serine.
Molecular consequence: missense variant.
Genome position (GRCh38, 1-based): chr11:62,613,375, G>A. VCF-style: chr11-62613375-G-A. GRCh37 (hg19) VCF-style: chr11-62380847-G-A.
Other names: short protein forms G32S.
Identifiers: ClinVar variation 943274 (VCV000943274.7), dbSNP rs550851372, ClinGen allele CA6049643.